The following is an entry in ClinVar:

ClinVar aggregate classification (germline): Conflicting classifications of pathogenicity. Review status: criteria provided, conflicting classifications (1 of 4 stars). 2 submissions from 2 submitters: Likely pathogenic (1); Uncertain significance (1). Last evaluated 2024-05-04.

Conditions:
Autosomal dominant Alport syndrome (ATS3A). Also called: Alport syndrome dominant type; Renal failure and sensorineural hearing loss; ALPORT SYNDROME 3A, AUTOSOMAL DOMINANT. Identifiers: Orphanet 63, Orphanet 88918, MedGen C5882663, MONDO:0007086, OMIM 104200.
Hematuria, benign familial, 2 (BFH2). Identifiers: MedGen C5830421, MONDO:0958186, OMIM 620320.
Alport syndrome 3b, autosomal recessive. Identifiers: MedGen C5882699, MONDO:0957811, OMIM 620536.

Submissions (2):

Fulgent Genetics
Classification: Likely pathogenic for Autosomal dominant Alport syndrome; Hematuria, benign familial, 2; Alport syndrome 3b, autosomal recessive. Last evaluated: 2024-05-04. Review status: criteria provided, single submitter. Criteria: ACMG Guidelines, 2015. Collection method: clinical testing. Allele origin: germline.

Women's Health and Genetics/Laboratory Corporation of America, LabCorp
Classification: Uncertain significance. Last evaluated: 2024-04-30. Review status: criteria provided, single submitter. Criteria: LabCorp Variant Classification Summary - May 2015. Collection method: clinical testing. Allele origin: germline.
Comment: Variant summary: COL4A3 c.3892G>C (p.Gly1298Arg) results in a non-conservative amino acid change in the encoded protein sequence. Five of five in-silico tools predict a damaging effect of the variant on protein function. The variant was absent in 249540 control chromosomes. The available data on variant occurrences in the general population are insufficient to allow any conclusion about variant significance. To our knowledge, no occurrence of c.3892G>C in individuals affected with Alport Syndrome, Autosomal Recessive and no experimental evidence demonstrating its impact on protein function have been reported. No submitters have cited clinical-significance assessments for this variant to ClinVar. Based on the evidence outlined above, the variant was classified as uncertain significance.

NM_000091.5(COL4A3):c.3892G>C (p.Gly1298Arg)

Genes: COL4A3 (collagen type IV alpha 3 chain; plus strand), MFF-DT (MFF divergent transcript; minus strand). Cytogenetic location: 2q36.3.
Variant type: single nucleotide variant.
Coding change: c.3892G>C on transcript NM_000091.5 (MANE Select); coding-DNA position 3892, G replaced by C.
Protein change: p.Gly1298Arg; replaces glycine 1298 with arginine.
Molecular consequence: missense variant.
Genome position (GRCh38, 1-based): chr2:227,303,047, G>C. VCF-style: chr2-227303047-G-C. GRCh37 (hg19) VCF-style: chr2-228167763-G-C.
Other names: short protein forms G1298R.
Identifiers: ClinVar variation 3251677 (VCV003251677.2), dbSNP rs2469904729.